The following is an entry in ClinVar:

ClinVar aggregate classification (germline): Uncertain significance (1 of 4 stars; one submission).

Conditions:
Hypertrophic cardiomyopathy 9. Also called: Familial hypertrophic cardiomyopathy 9. Identifiers: MedGen C1861065, MONDO:0013412, OMIM 613765.
Myopathy, myofibrillar, 9, with early respiratory failure (MFM9). Also called: Hereditary myopathy with early respiratory failure; EDSTROM MYOPATHY; MYOPATHY, PROXIMAL, WITH EARLY RESPIRATORY MUSCLE INVOLVEMENT; Myopathy, distal, with early respiratory failure, autosomal dominant. Identifiers: Orphanet 178464, Orphanet 34521, MedGen C1863599, MONDO:0011362, OMIM 603689.
Early-onset myopathy with fatal cardiomyopathy (CMYO5). Also called: CONGENITAL MYOPATHY 5 WITH CARDIOMYOPATHY; Salih Myopathy. Identifiers: Orphanet 289377, MedGen C2673677, MONDO:0012714, OMIM 611705. Disease mechanism: loss of function.
Autosomal recessive limb-girdle muscular dystrophy type 2J (LGMDR10). Also called: Limb-girdle muscular dystrophy, type 2J; MUSCULAR DYSTROPHY, LIMB-GIRDLE, AUTOSOMAL RECESSIVE 10. Identifiers: Orphanet 140922, MedGen C1837342, MONDO:0012127, OMIM 608807.
Dilated cardiomyopathy 1G (CMD1G). Identifiers: Orphanet 154, MedGen C1858763, MONDO:0011400, OMIM 604145.
Tibial muscular dystrophy (TMD). Also called: UDD MYOPATHY; Udd Distal Myopathy – Tibial Muscular Dystrophy; Tibial muscular dystrophy, tardive. Identifiers: Orphanet 609, MedGen C1838244, MONDO:0010870, OMIM 600334.

gnomAD v4.1: 2 of 1,587,948 alleles (0.00013%); highest among the groups gnomAD compares: East Asian, 0.0023%; no homozygotes.

Submission:

Juno Genomics, Hangzhou Juno Genomics, Inc
Classification: Uncertain significance for Hypertrophic cardiomyopathy 9; Myopathy, myofibrillar, 9, with early respiratory failure; Tibial muscular dystrophy; Early-onset myopathy with fatal cardiomyopathy; Dilated cardiomyopathy 1G; Autosomal recessive limb-girdle muscular dystrophy type 2J. Review status: criteria provided, single submitter. Criteria: ACMG Guidelines, 2015. Collection method: clinical testing. Allele origin: germline.
Comment: Missense variant in a gene that has a low rate of benign missense variation.;Multiple lines of computational evidence support a deleterious effect on the gene or gene product.;Absent from controls (or at extremely low frequency if recessive) in Genome Aggregation Database.

NM_001267550.2(TTN):c.95726C>G (p.Thr31909Ser)

Genes: TTN (titin; minus strand), TTN-AS1 (TTN antisense RNA 1; plus strand). Cytogenetic location: 2q31.2.
Variant type: single nucleotide variant.
Coding change: c.95726C>G on transcript NM_001267550.2 (MANE Select); coding-DNA position 95726, C replaced by G.
Protein change: p.Thr31909Ser; replaces threonine 31909 with serine.
Molecular consequence: missense variant.
Genome position (GRCh38, 1-based): chr2:178,544,503, G>C on the plus strand (C>G on the coding strand, the complement: TTN is on the minus strand). VCF-style: chr2-178544503-G-C. GRCh37 (hg19) VCF-style: chr2-179409230-G-C.
Other names: c.90803C>G, p.Thr30268Ser (NM_001256850.1); c.68531C>G, p.Thr22844Ser (NM_003319.4); c.88022C>G, p.Thr29341Ser (NM_133378.4); c.68906C>G, p.Thr22969Ser (NM_133432.3); c.69107C>G, p.Thr23036Ser (NM_133437.4); short protein forms T22844S, T22969S, T29341S, T23036S, T30268S, T31909S.
Identifiers: ClinVar variation 5006139 (VCV005006139.2).